The following is an entry in ClinVar:

NM_001046.3(SLC12A2):c.137C>T (p.Ala46Val)

Genes: SLC12A2 (solute carrier family 12 member 2; plus strand), LOC129994526 (ATAC-STARR-seq lymphoblastoid silent region 16295; plus strand). Cytogenetic location: 5q23.3.
Variant type: single nucleotide variant.
Coding change: c.137C>T on transcript NM_001046.3 (MANE Select); coding-DNA position 137, C replaced by T.
Protein change: p.Ala46Val; replaces alanine 46 with valine.
Molecular consequence: missense variant. On other transcripts: non-coding transcript variant (1).
Genome position (GRCh38, 1-based): chr5:128,084,091, C>T. VCF-style: chr5-128084091-C-T. GRCh37 (hg19) VCF-style: chr5-127419783-C-T.
Other names: c.137C>T, p.Ala46Val (NM_001256461.2); c.137C>T (NM_001046.2); short protein forms A46V.
Identifiers: ClinVar variation 1914640 (VCV001914640.6), dbSNP rs1160378341, ClinGen allele CA360735881.

ClinVar aggregate classification (germline): Uncertain significance. Review status: criteria provided, multiple submitters, no conflicts (2 of 4 stars). 2 submissions from 2 submitters: Uncertain significance (2). Last evaluated 2025-09-22.

Conditions:
Inborn genetic diseases. Identifiers: MedGen C0950123, MeSH D030342.

Allele frequency attached by ClinVar (database versions not stated): TOPMed below 0.00001.
gnomAD v4.1: 1 of 1,315,774 alleles (0.000076%); highest among the groups gnomAD compares: South Asian, 0.0022%; no homozygotes.

Submissions (2):

Ambry Genetics
Classification: Uncertain significance for Inborn genetic diseases. Last evaluated: 2025-09-22. Review status: criteria provided, single submitter. Criteria: Ambry Variant Classification Scheme 2023. Collection method: clinical testing. Allele origin: germline.

Labcorp Genetics (formerly Invitae), Labcorp
Classification: Uncertain significance. Last evaluated: 2023-11-06. Review status: criteria provided, single submitter. Criteria: Invitae Variant Classification Sherloc (09022015). Collection method: clinical testing. Allele origin: germline.
Comment: This sequence change replaces alanine, which is neutral and non-polar, with valine, which is neutral and non-polar, at codon 46 of the SLC12A2 protein (p.Ala46Val). This variant is not present in population databases (gnomAD no frequency). This variant has not been reported in the literature in individuals affected with SLC12A2-related conditions. ClinVar contains an entry for this variant (Variation ID: 1914640). Advanced modeling of protein sequence and biophysical properties (such as structural, functional, and spatial information, amino acid conservation, physicochemical variation, residue mobility, and thermodynamic stability) performed at Invitae indicates that this missense variant is not expected to disrupt SLC12A2 protein function with a negative predictive value of 95%. In summary, the available evidence is currently insufficient to determine the role of this variant in disease. Therefore, it has been classified as a Variant of Uncertain Significance.